The following is an entry in ClinVar:

ClinVar aggregate classification (germline): Uncertain significance. Review status: criteria provided, multiple submitters, no conflicts (2 of 4 stars). 2 submissions from 2 submitters: Uncertain significance (2). Last evaluated 2024-08-19.

Conditions:
Inborn genetic diseases. Identifiers: MedGen C0950123, MeSH D030342.
Hermansky-Pudlak syndrome 2 (HPS2). Also called: Platelet defects and oculocutaneous albinism. Identifiers: Orphanet 183678, Orphanet 79430, MedGen C1842362, MONDO:0011997, OMIM 608233.

Allele frequency attached by ClinVar (database versions not stated): gnomAD exomes below 0.00001 and 0.00002; ExAC 0.00002; gnomAD 0.00006; TOPMed 0.00006; ESP Exome Variant Server 0.00008.
gnomAD v4.1: 13 of 1,609,920 alleles (0.00081%); highest among the groups gnomAD compares: Admixed American, 0.01%; no homozygotes.

Submissions (2):

Labcorp Genetics (formerly Invitae), Labcorp
Classification: Uncertain significance for Hermansky-Pudlak syndrome 2. Last evaluated: 2024-08-19. Review status: criteria provided, single submitter. Criteria: Invitae Variant Classification Sherloc (09022015). Collection method: clinical testing. Allele origin: germline.
Comment: This sequence change replaces aspartic acid, which is acidic and polar, with asparagine, which is neutral and polar, at codon 488 of the AP3B1 protein (p.Asp488Asn). This variant is present in population databases (rs370362655, gnomAD 0.01%). This variant has not been reported in the literature in individuals affected with AP3B1-related conditions. ClinVar contains an entry for this variant (Variation ID: 942880). An algorithm developed to predict the effect of missense changes on protein structure and function (PolyPhen-2) suggests that this variant¬†is likely to be tolerated. In summary, the available evidence is currently insufficient to determine the role of this variant in disease. Therefore, it has been classified as a Variant of Uncertain Significance.

Ambry Genetics
Classification: Uncertain significance for Inborn genetic diseases. Last evaluated: 2024-03-15. Review status: criteria provided, single submitter. Criteria: Ambry Variant Classification Scheme 2023. Collection method: clinical testing. Allele origin: germline.

NM_003664.5(AP3B1):c.1462G>A (p.Asp488Asn)

Gene: AP3B1 (adaptor related protein complex 3 subunit beta 1; minus strand). Cytogenetic location: 5q14.1.
Variant type: single nucleotide variant.
Coding change: c.1462G>A on transcript NM_003664.5 (MANE Select); coding-DNA position 1462, G replaced by A.
Protein change: p.Asp488Asn; replaces aspartic acid 488 with asparagine.
Molecular consequence: missense variant.
Genome position (GRCh38, 1-based): chr5:78,156,269, C>T on the plus strand (G>A on the coding strand, the complement: AP3B1 is on the minus strand). VCF-style: chr5-78156269-C-T. GRCh37 (hg19) VCF-style: chr5-77452093-C-T.
Other names: c.1315G>A, p.Asp439Asn (NM_001271769.2); c.1462G>A (NM_003664.3); short protein forms D439N, D488N.
Identifiers: ClinVar variation 942880 (VCV000942880.9), dbSNP rs370362655, ClinGen allele CA3317060.
Genomic context (GRCh38, chr5:78,156,269, plus strand): 5'-TACAACTTACTGAATAAAATTCAGCAAACATCTCTTAATTGATACTCACAGTGATACTGT[C>T]CAGGAGTTTGGCCATATGTTTAATAATTTCACCATGTTGTGCAGGTTGCATTTGCAGTAA-3'
Protein context (NP_003655.3, residues 478-498): EIIKHMAKLL[Asp488Asn]SITVPVARAS